The following is an entry in ClinVar:

Conditions:
Long QT syndrome 5 (LQT5). Identifiers: Orphanet 101016, Orphanet 768, MedGen C1867904, MONDO:0013372, OMIM 613695.

Submission:

Roden Lab, Vanderbilt University Medical Center
No classification provided (evidence only). Condition: Long QT syndrome 5. Review status: no classification provided. Collection method: in vitro. Allele origin: not applicable. Functional consequence: Effect on ion channel function.
ClinVar note: "not provided" was previously submitted as the classification for the variant. However, the classification appeared to be based only on an observation of functional data so it was converted to no classification on 2025-07-30.

NM_000219.6(KCNE1):c.170T>C (p.Phe57Ser)

Gene: KCNE1 (potassium voltage-gated channel subfamily E regulatory subunit 1; minus strand). Cytogenetic location: 21q22.12.
Variant type: single nucleotide variant.
Coding change: c.170T>C on transcript NM_000219.6 (MANE Select); coding-DNA position 170, T replaced by C.
Protein change: p.Phe57Ser; replaces phenylalanine 57 with serine.
Molecular consequence: missense variant.
Genome position (GRCh38, 1-based): chr21:34,449,465, A>G on the plus strand (T>C on the coding strand, the complement: KCNE1 is on the minus strand). VCF-style: chr21-34449465-A-G. GRCh37 (hg19) VCF-style: chr21-35821763-A-G.
Other names: c.170T>C, p.Phe57Ser (NM_001127668.4, NM_001127669.4, NM_001127670.4 and 4 more transcripts); short protein forms F57S.
Identifiers: ClinVar variation 3374234 (VCV003374234.2).